The following is an entry in ClinVar:

NM_000057.4(BLM):c.493A>T (p.Thr165Ser)

Gene: BLM (BLM RecQ like helicase; plus strand). Cytogenetic location: 15q26.1.
Variant type: single nucleotide variant.
Coding change: c.493A>T on transcript NM_000057.4 (MANE Select); coding-DNA position 493, A replaced by T.
Protein change: p.Thr165Ser; replaces threonine 165 with serine.
Molecular consequence: missense variant. On other transcripts: 5 prime UTR variant (1).
Genome position (GRCh38, 1-based): chr15:90,749,761, A>T. VCF-style: chr15-90749761-A-T. GRCh37 (hg19) VCF-style: chr15-91292991-A-T.
Other names: c.493A>T, p.Thr165Ser (NM_001287246.2, NM_001287247.2); c.-799A>T (NM_001287248.2); c.493A>T (NM_000057.2); short protein forms T165S.
Identifiers: ClinVar variation 1059132 (VCV001059132.7), dbSNP rs769575660, ClinGen allele CA7738302.

ClinVar aggregate classification (germline): Uncertain significance. Review status: criteria provided, multiple submitters, no conflicts (2 of 4 stars). 3 submissions from 3 submitters: Uncertain significance (2). 1 of the submissions does not count toward it. Last evaluated 2024-03-09.

Conditions:
Hereditary cancer-predisposing syndrome. Also called: Neoplastic Syndromes, Hereditary; Hereditary Cancer Syndrome; Hereditary neoplastic syndrome; Tumor predisposition. Identifiers: Orphanet 140162, MedGen C0027672, MeSH D009386, MONDO:0015356.
Bloom syndrome (BLM). Also called: Bloom-Torre-Machacek syndrome. Identifiers: Orphanet 125, MedGen C0005859, MONDO:0008876, OMIM 210900.

Allele frequency attached by ClinVar (database versions not stated): ExAC 0.00002; gnomAD exomes 0.00002.
gnomAD v4.1: 26 of 1,613,378 alleles (0.0016%); highest among the groups gnomAD compares: South Asian, 0.027%; no homozygotes.

Submissions (3):

Ambry Genetics
Classification: Uncertain significance for Hereditary cancer-predisposing syndrome. Last evaluated: 2024-03-09. Review status: criteria provided, single submitter. Criteria: Ambry Variant Classification Scheme 2023. Collection method: clinical testing. Allele origin: germline.
Comment: The p.T165S variant (also known as c.493A>T), located in coding exon 2 of the BLM gene, results from an A to T substitution at nucleotide position 493. The threonine at codon 165 is replaced by serine, an amino acid with similar properties. This amino acid position is conserved. In addition, this alteration is predicted to be tolerated by in silico analysis. Since supporting evidence is limited at this time, the clinical significance of this alteration remains unclear.

Labcorp Genetics (formerly Invitae), Labcorp
Classification: Uncertain significance for Bloom syndrome. Last evaluated: 2022-10-04. Review status: criteria provided, single submitter. Criteria: Invitae Variant Classification Sherloc (09022015). Collection method: clinical testing. Allele origin: germline.
Comment: This sequence change replaces threonine, which is neutral and polar, with serine, which is neutral and polar, at codon 165 of the BLM protein (p.Thr165Ser). This variant is present in population databases (rs769575660, gnomAD 0.02%). This variant has not been reported in the literature in individuals affected with BLM-related conditions. ClinVar contains an entry for this variant (Variation ID: 1059132). Algorithms developed to predict the effect of missense changes on protein structure and function output the following: SIFT: "Tolerated"; PolyPhen-2: "Benign"; Align-GVGD: "Class C0". The serine amino acid residue is found in multiple mammalian species, which suggests that this missense change does not adversely affect protein function. In summary, the available evidence is currently insufficient to determine the role of this variant in disease. Therefore, it has been classified as a Variant of Uncertain Significance.

Natera, Inc.
Classification: Uncertain significance for Bloom syndrome. Last evaluated: 2020-02-14. Review status: no assertion criteria provided. Collection method: clinical testing. Allele origin: germline. Not counted in ClinVar's aggregate classification.